The following is an entry in ClinVar:

ClinVar aggregate classification (germline): Uncertain significance. Review status: criteria provided, multiple submitters, no conflicts (2 of 4 stars). 2 submissions from 2 submitters: Uncertain significance (2). Last evaluated 2024-08-15.

Conditions:
Hereditary cancer-predisposing syndrome. Also called: Hereditary Cancer Syndrome; Neoplastic Syndromes, Hereditary; Tumor predisposition; Hereditary neoplastic syndrome. Identifiers: Orphanet 140162, MedGen C0027672, MeSH D009386, MONDO:0015356.
Hereditary breast ovarian cancer syndrome. Also called: Breast and ovarian cancer; Hereditary breast and ovarian cancer; Hereditary breast and/or ovarian cancer syndrome; BRCA1- and BRCA2-Associated Hereditary Breast and Ovarian Cancer; Hereditary breast and ovarian cancer syndrome (HBOC); Hereditary breast and ovarian cancer syndrome. Identifiers: Orphanet 145, MedGen C0677776, MeSH D061325, MONDO:0003582. Disease mechanism: loss of function.

Submissions (2):

Ambry Genetics
Classification: Uncertain significance for Hereditary cancer-predisposing syndrome. Last evaluated: 2024-08-15. Review status: criteria provided, single submitter. Criteria: Ambry Variant Classification Scheme 2023. Collection method: clinical testing. Allele origin: germline.
Comment: The c.5038_5040delTCT variant (also known as p.S1680del) is located in coding exon 10 of the BRCA2 gene. This variant results from an in-frame TCT deletion at nucleotide positions 5038 to 5040. This results in the in-frame deletion of a serine at codon 1680. This amino acid position is not well conserved in available vertebrate species. In addition, this alteration is predicted to be deleterious by in silico analysis (Choi Y et al. PLoS ONE. 2012; 7(10):e46688). Since supporting evidence is limited at this time, the clinical significance of this alteration remains unclear.

Labcorp Genetics (formerly Invitae), Labcorp
Classification: Uncertain significance for Hereditary breast ovarian cancer syndrome. Last evaluated: 2023-07-08. Review status: criteria provided, single submitter. Criteria: Invitae Variant Classification Sherloc (09022015). Collection method: clinical testing. Allele origin: germline.
Comment: This variant, c.5038_5040del, results in the deletion of 1 amino acid(s) of the BRCA2 protein (p.Ser1680del), but otherwise preserves the integrity of the reading frame. This variant is not present in population databases (gnomAD no frequency). This variant has not been reported in the literature in individuals affected with BRCA2-related conditions. ClinVar contains an entry for this variant (Variation ID: 1744926). Experimental studies and prediction algorithms are not available or were not evaluated, and the functional significance of this variant is currently unknown. In summary, the available evidence is currently insufficient to determine the role of this variant in disease. Therefore, it has been classified as a Variant of Uncertain Significance.

NM_000059.4(BRCA2):c.5038_5040del (p.Ser1680del)

Gene: BRCA2 (BRCA2 DNA repair associated; plus strand). Cytogenetic location: 13q13.1.
Variant type: Deletion.
Coding change: c.5038_5040del on transcript NM_000059.4 (MANE Select); coding-DNA positions 5038 to 5040, 3 bases deleted (TCT; older notation c.5038_5040delTCT).
Protein change: p.Ser1680del; deletes serine 1680.
Molecular consequence: inframe deletion. On other transcripts: inframe indel (2).
Genome position (GRCh38, 1-based): chr13:32,339,393-32,339,395, TCT deleted; deleting any 3 consecutive bases within chr13:32,339,391-32,339,395 gives the same sequence; the c. name uses the placement nearest the transcript's 3' end. VCF-style (leftmost placement, unchanged base first): chr13-32339390-ACTT-A. GRCh37 (hg19) VCF-style: chr13-32913527-ACTT-A.
Other names: c.5038_5040delTCT, p.Ser1680del (NM_001406719.1, NM_001406720.1); short protein forms S1680del.
Identifiers: ClinVar variation 1744926 (VCV001744926.8), dbSNP rs2548529875, ClinGen allele CA2580087322.